The following is an entry in ClinVar:

NM_014000.3(VCL):c.1602G>A (p.Met534Ile)

Gene: VCL (vinculin; plus strand). Cytogenetic location: 10q22.2.
Variant type: single nucleotide variant.
Coding change: c.1602G>A on transcript NM_014000.3 (MANE Select); coding-DNA position 1602, G replaced by A.
Protein change: p.Met534Ile; replaces methionine 534 with isoleucine.
Molecular consequence: missense variant.
Genome position (GRCh38, 1-based): chr10:74,095,714, G>A. VCF-style: chr10-74095714-G-A. GRCh37 (hg19) VCF-style: chr10-75855472-G-A.
Other names: c.1602G>A, p.Met534Ile (NM_003373.4); short protein forms M534I.
Identifiers: ClinVar variation 3706119 (VCV003706119.4).

ClinVar aggregate classification (germline): Uncertain significance. Review status: criteria provided, multiple submitters, no conflicts (2 of 4 stars). 2 submissions from 2 submitters: Uncertain significance (2). Last evaluated 2025-11-13.

Conditions:
Cardiovascular phenotype. Identifiers: MedGen CN230736.
Dilated cardiomyopathy 1W (CMD1W). Identifiers: Orphanet 154, MedGen C1969639, MONDO:0012667, OMIM 611407.

gnomAD v4.1: 1 of 1,614,038 alleles (0.000062%); highest among the groups gnomAD compares: African/African-American, 0.0013%; no homozygotes.

Submissions (2):

Ambry Genetics
Classification: Uncertain significance for Cardiovascular phenotype. Last evaluated: 2025-11-13. Review status: criteria provided, single submitter. Criteria: Ambry Variant Classification Scheme 2023. Collection method: clinical testing. Allele origin: germline.

Labcorp Genetics (formerly Invitae), Labcorp
Classification: Uncertain significance for Dilated cardiomyopathy 1W. Last evaluated: 2025-03-31. Review status: criteria provided, single submitter. Criteria: Invitae Variant Classification Sherloc (09022015). Collection method: clinical testing. Allele origin: germline.
Comment: This sequence change replaces methionine, which is neutral and non-polar, with isoleucine, which is neutral and non-polar, at codon 534 of the VCL protein (p.Met534Ile). This variant is not present in population databases (gnomAD no frequency). This variant has not been reported in the literature in individuals affected with VCL-related conditions. An algorithm developed to predict the effect of missense changes on protein structure and function (PolyPhen-2) suggests that this variant is likely to be tolerated. In summary, the available evidence is currently insufficient to determine the role of this variant in disease. Therefore, it has been classified as a Variant of Uncertain Significance.